The following is an entry in ClinVar:

NM_000046.5(ARSB):c.246G>A (p.Leu82=)

Genes: ARSB (arylsulfatase B; minus strand), LOC129994126 (ATAC-STARR-seq lymphoblastoid silent region 16127; plus strand). Cytogenetic location: 5q14.1.
Variant type: single nucleotide variant.
Coding change: c.246G>A on transcript NM_000046.5 (MANE Select); coding-DNA position 246, G replaced by A.
Protein change: p.Leu82=; no amino-acid change (leucine 82 retained).
Molecular consequence: synonymous variant.
Genome position (GRCh38, 1-based): chr5:78,985,003, C>T on the plus strand (G>A on the coding strand, the complement: ARSB is on the minus strand). VCF-style: chr5-78985003-C-T. GRCh37 (hg19) VCF-style: chr5-78280826-C-T.
Other names: c.246G>A, p.Leu82= (NM_198709.3).
Identifiers: ClinVar variation 559747 (VCV000559747.6), dbSNP rs1035210606, ClinGen allele CA3318323.

ClinVar aggregate classification (germline): Conflicting classifications of pathogenicity. Review status: criteria provided, conflicting classifications (1 of 4 stars). 2 submissions from 2 submitters: Uncertain significance (1); Likely benign (1). Last evaluated 2024-10-17.

Conditions:
Mucopolysaccharidosis type 6 (MPS6). Also called: N-ACETYLGALACTOSAMINE-4-SULFATASE DEFICIENCY; MPS VI; MPS 6; Maroteaux Lamy syndrome; ARSB DEFICIENCY; ARYLSULFATASE B DEFICIENCY. Identifiers: Orphanet 583, MedGen C0026709, MONDO:0009661, OMIM 253200.

Allele frequency attached by ClinVar (database versions not stated): gnomAD 0.00001 and 0.00002; ExAC 0.00003; TOPMed 0.00003; gnomAD exomes 0.00004.
gnomAD v4.1: 27 of 1,539,358 alleles (0.0018%); highest among the groups gnomAD compares: Admixed American, 0.0079%; no homozygotes.

Submissions (2):

Labcorp Genetics (formerly Invitae), Labcorp
Classification: Likely benign for Mucopolysaccharidosis type 6. Last evaluated: 2024-10-17. Review status: criteria provided, single submitter. Criteria: Invitae Variant Classification Sherloc (09022015). Collection method: clinical testing. Allele origin: germline.

Laboratory of Diagnosis and Therapy of Lysosomal Disorders, University of Padova
Classification: Uncertain significance for Mucopolysaccharidosis type 6. Last evaluated: 2018-01-01. Review status: criteria provided, single submitter. Criteria: ACMG Guidelines, 2015. Collection method: curation. Allele origin: germline. Affected: yes.
Comment: Very low frequence in GnomAd (PM2)

Literature cited by the submitters: PubMed 17458871 (cited by Laboratory of Diagnosis and Therapy of Lysosomal Disorders, University of Padova); PubMed 30118150 (cited by Laboratory of Diagnosis and Therapy of Lysosomal Disorders, University of Padova).